The following is an entry in ClinVar:

NM_015338.6(ASXL1):c.4201G>C (p.Gly1401Arg)

Gene: ASXL1 (ASXL transcriptional regulator 1; plus strand). Cytogenetic location: 20q11.21.
Variant type: single nucleotide variant.
Coding change: c.4201G>C on transcript NM_015338.6 (MANE Select); coding-DNA position 4201, G replaced by C.
Protein change: p.Gly1401Arg; replaces glycine 1401 with arginine.
Molecular consequence: missense variant.
Genome position (GRCh38, 1-based): chr20:32,436,913, G>C. VCF-style: chr20-32436913-G-C. GRCh37 (hg19) VCF-style: chr20-31024716-G-C.
Other names: c.4018G>C, p.Gly1340Arg (NM_001363734.1); short protein forms G1401R, G1340R.
Identifiers: ClinVar variation 4159258 (VCV004159258.1).
Genomic context (GRCh38, chr20:32,436,913, plus strand): 5'-AATGCCGAGAACAGGAAAGCTACTGGGCATAGTCCCCTGGAACTGGTGGGTCACTTGGAA[G>C]GGATGCCCTTTGTCATGGACTTGCCCTTCTGGAAATTACCCCGAGAGCCAGGGAAGGGGC-3'
Protein context (NP_056153.2, residues 1391-1411): SPLELVGHLE[Gly1401Arg]MPFVMDLPFW

ClinVar aggregate classification (germline): Uncertain significance (1 of 4 stars; one submission).

Conditions:
Inborn genetic diseases. Identifiers: MedGen C0950123, MeSH D030342.

Submission:

Ambry Genetics
Classification: Uncertain significance for Inborn genetic diseases. Last evaluated: 2025-08-29. Review status: criteria provided, single submitter. Criteria: Ambry Variant Classification Scheme 2023. Collection method: clinical testing. Allele origin: germline.
Comment: The p.G1401R variant (also known as c.4201G>C), located in coding exon 13 of the ASXL1 gene, results from a G to C substitution at nucleotide position 4201. The glycine at codon 1401 is replaced by arginine, an amino acid with dissimilar properties. This amino acid position is conserved. In addition, this alteration is predicted to be tolerated by in silico analysis. Based on the available evidence, the clinical significance of this variant remains unclear.